The following is an entry in ClinVar:

NM_001039.4(SCNN1G):c.988A>G (p.Ile330Val)

Gene: SCNN1G (sodium channel epithelial 1 subunit gamma; plus strand). Cytogenetic location: 16p12.2.
Variant type: single nucleotide variant.
Coding change: c.988A>G on transcript NM_001039.4 (MANE Select); coding-DNA position 988, A replaced by G.
Protein change: p.Ile330Val; replaces isoleucine 330 with valine.
Molecular consequence: missense variant.
Genome position (GRCh38, 1-based): chr16:23,197,338, A>G. VCF-style: chr16-23197338-A-G. GRCh37 (hg19) VCF-style: chr16-23208659-A-G.
Other names: c.988A>G (NM_001039.3); short protein forms I330V.
Identifiers: ClinVar variation 2722849 (VCV002722849.4), dbSNP rs778529470, ClinGen allele CA7959730.

ClinVar aggregate classification (germline): Uncertain significance. Review status: criteria provided, multiple submitters, no conflicts (2 of 4 stars). 2 submissions from 2 submitters: Uncertain significance (2). Last evaluated 2025-12-24.

Conditions:
Inborn genetic diseases. Identifiers: MedGen C0950123, MeSH D030342.

Allele frequency attached by ClinVar (database versions not stated): TOPMed 0.00002; gnomAD exomes 0.00001; ExAC 0.00002.
gnomAD v4.1: 8 of 1,613,568 alleles (0.0005%); highest among the groups gnomAD compares: Admixed American, 0.013%; no homozygotes.

Submissions (2):

Labcorp Genetics (formerly Invitae), Labcorp
Classification: Uncertain significance. Last evaluated: 2025-12-24. Review status: criteria provided, single submitter. Criteria: Invitae Variant Classification Sherloc (09022015). Collection method: clinical testing. Allele origin: germline.
Comment: This sequence change replaces isoleucine, which is neutral and non-polar, with valine, which is neutral and non-polar, at codon 330 of the SCNN1G protein (p.Ile330Val). This variant is present in population databases (rs778529470, gnomAD 0.02%). This variant has not been reported in the literature in individuals affected with SCNN1G-related conditions. ClinVar contains an entry for this variant (Variation ID: 2722849). Invitae Evidence Modeling of protein sequence and biophysical properties (such as structural, functional, and spatial information, amino acid conservation, physicochemical variation, residue mobility, and thermodynamic stability) indicates that this missense variant is not expected to disrupt SCNN1G protein function with a negative predictive value of 80%. In summary, the available evidence is currently insufficient to determine the role of this variant in disease. Therefore, it has been classified as a Variant of Uncertain Significance.

Ambry Genetics
Classification: Uncertain significance for Inborn genetic diseases. Last evaluated: 2025-01-19. Review status: criteria provided, single submitter. Criteria: Ambry Variant Classification Scheme 2023. Collection method: clinical testing. Allele origin: germline.